The following is an entry in ClinVar:

NM_001355436.2(SPTB):c.6068C>T (p.Ala2023Val)

Gene: SPTB (spectrin beta, erythrocytic; minus strand). Cytogenetic location: 14q23.3.
Variant type: single nucleotide variant.
Coding change: c.6068C>T on transcript NM_001355436.2 (MANE Select); coding-DNA position 6068, C replaced by T.
Protein change: p.Ala2023Val; replaces alanine 2023 with valine.
Molecular consequence: missense variant.
Genome position (GRCh38, 1-based): chr14:64,767,814, G>A on the plus strand (C>T on the coding strand, the complement: SPTB is on the minus strand). VCF-style: chr14-64767814-G-A. GRCh37 (hg19) VCF-style: chr14-65234532-G-A.
Other names: c.6068C>T, p.Ala2023Val (NM_001355437.2, NM_001024858.4); c.6068C>T (NM_001024858.2); short protein forms A2023V.
Identifiers: ClinVar variation 1163366 (VCV001163366.10), dbSNP rs367841692, ClinGen allele CA7229762.

ClinVar aggregate classification (germline): Conflicting classifications of pathogenicity. Review status: criteria provided, conflicting classifications (1 of 4 stars). 5 submissions from 5 submitters: Likely pathogenic (2); Uncertain significance (3). Last evaluated 2024-10-17.

Conditions:
SPTB-related disorder. Also called: SPTB-Related Disorders; SPTB-related condition.
Hereditary spherocytosis type 2. Also called: SPHEROCYTOSIS, TYPE 2, AUTOSOMAL DOMINANT. Identifiers: Orphanet 822, MedGen C2674219, MONDO:0000913, OMIM 616649.

Allele frequency attached by ClinVar (database versions not stated): ExAC 0.00002; TOPMed 0.00003; gnomAD 0.00004; ESP Exome Variant Server 0.00008.

Submissions (5):

3billion
Classification: Uncertain significance for SPTB-related disorder. Last evaluated: 2024-10-17. Review status: criteria provided, single submitter. Criteria: ACMG Guidelines, 2015. Collection method: clinical testing. Allele origin: germline. Affected: yes.
Comment: The variant is observed at an allele frequency greater than expected for the associated disorder in the gnomAD v4.1.0 dataset and therefore considered benign. Predicted Consequence/Location: Missense variant. The majority of the known disease-causing variants of this gene are variants expected to result in premature termination of the protein. In silico tool predictions suggest damaging effect of the variant on gene or gene product [3Cnet: 0.99 (>=0.6, sensitivity 0.72 and precision 0.9)]. The same nucleotide change resulting in the same amino acid change has been previously reported to be associated with SPTB related disorder (ClinVar ID: VCV001163366 /PMID: 8018926). However, the evidence of pathogenicity is insufficient at this time. Therefore, this variant is classified as VUS according to the recommendation of ACMG/AMP guideline.

Revvity Omics, Revvity
Classification: Uncertain significance. Last evaluated: 2024-10-17. Review status: criteria provided, single submitter. Criteria: ACMG Guidelines, 2015. Collection method: clinical testing. Allele origin: germline.

Baylor Genetics
Classification: Likely pathogenic for Hereditary spherocytosis type 2. Last evaluated: 2023-02-09. Review status: criteria provided, single submitter. Criteria: ACMG Guidelines, 2015. Collection method: clinical testing. Allele origin: unknown.

PreventionGenetics, part of Exact Sciences
Classification: Uncertain significance for SPTB-related condition. Last evaluated: 2023-01-13. Review status: criteria provided, single submitter. Criteria: ACMG Guidelines, 2015. Collection method: clinical testing. Allele origin: germline.
Comment: The SPTB c.6068C>T variant is predicted to result in the amino acid substitution p.Ala2023Val. This variant been previously reported in the heterozygous state in individuals with hereditary elliptocytosis (reported as Ala2023Val, family CO in Parquet et al. 1994. PubMed ID: 8018926; Park et al. 2016. PubMed ID: 26830532). This variant is reported in 0.020% of alleles in individuals of Latino descent in gnomAD. Although we suspect that this variant may be pathogenic, at this time, the clinical significance of this variant is uncertain due to the absence of conclusive functional and genetic evidence.

Mayo Clinic Laboratories, Mayo Clinic
Classification: Likely pathogenic. Last evaluated: 2021-01-26. Review status: criteria provided, single submitter. Criteria: ACMG Guidelines, 2015. Collection method: clinical testing. Allele origin: germline. Observed: 1 variant allele.
Comment: PS3, PM1, PP1, PP3

Literature cited by the submitters: PubMed 8018926 (cited by 3billion and Mayo Clinic Laboratories, Mayo Clinic); PubMed 26830532 (cited by Mayo Clinic Laboratories, Mayo Clinic); PubMed 6426236 (cited by Mayo Clinic Laboratories, Mayo Clinic).